The following is an entry in ClinVar:

ClinVar aggregate classification (germline): Pathogenic/Likely pathogenic. Review status: criteria provided, multiple submitters, no conflicts (2 of 4 stars). 4 submissions from 4 submitters: Pathogenic (1); Likely pathogenic (2). 1 of the submissions does not count toward it. Last evaluated 2025-02-13.

Conditions:
Glycine encephalopathy 1 (GCE1). Identifiers: MedGen CN376801, MONDO:0958179, OMIM 605899.
Glycine encephalopathy. Also called: Non-ketotic hyperglycinemia; Nonketotic hyperglycinemia. Identifiers: Orphanet 407, MedGen C0751748, MONDO:0011612, HP:0008288.

Allele frequency attached by ClinVar (database versions not stated): gnomAD 0.00001; gnomAD exomes 0.00001; ExAC 0.00002; TOPMed 0.00002; ESP Exome Variant Server 0.00008.

Submissions (4):

Natera, Inc.
Classification: Likely pathogenic for Non-ketotic hyperglycinemia. Last evaluated: 2025-02-13. Review status: criteria provided, single submitter. Criteria: Natera Variant Classification Schema (03/2026). Collection method: clinical testing. Allele origin: germline.
Comment: The c.800C>T variant in GLDC is a missense variant predicted to cause substitution of proline to leucine at amino acid 267. This variant is rare in the general population with a frequency below the threshold expected for the associated phenotype(s). This variant has been observed in one or more individuals affected with the associated recessive disease, as either homozygous or compound heterozygous with a second variant (PMID: 26179960). A different variant at the same position has been determined to be Pathogenic or Likely Pathogenic. Computational prediction algorithms indicate this variant is likely to affect gene or protein function. Given the available evidence, this variant is classified as Likely Pathogenic.

GeneDx
Classification: Likely pathogenic. Last evaluated: 2024-09-19. Review status: criteria provided, single submitter. Criteria: GeneDx Variant Classification Process June 2021. Collection method: clinical testing. Allele origin: germline. Affected: yes.
Comment: Not observed at significant frequency in large population cohorts (gnomAD); In silico analysis supports that this missense variant has a deleterious effect on protein structure/function; This variant is associated with the following publications: (PMID: 27362913, 26179960)

Labcorp Genetics (formerly Invitae), Labcorp
Classification: Pathogenic for Glycine encephalopathy. Last evaluated: 2024-05-20. Review status: criteria provided, single submitter. Criteria: Invitae Variant Classification Sherloc (09022015). Collection method: clinical testing. Allele origin: germline.
Comment: This sequence change replaces proline, which is neutral and non-polar, with leucine, which is neutral and non-polar, at codon 267 of the GLDC protein (p.Pro267Leu). This variant is present in population databases (rs138484426, gnomAD 0.01%). This missense change has been observed in individual(s) with nonketotic hyperglycinemia (PMID: 26179960, 28244183; Invitae). In at least one individual the data is consistent with being in trans (on the opposite chromosome) from a pathogenic variant. ClinVar contains an entry for this variant (Variation ID: 556679). Advanced modeling of protein sequence and biophysical properties (such as structural, functional, and spatial information, amino acid conservation, physicochemical variation, residue mobility, and thermodynamic stability) has been performed at Invitae for this missense variant, however the output from this modeling did not meet the statistical confidence thresholds required to predict the impact of this variant on GLDC protein function. This variant disrupts the p.Pro267 amino acid residue in GLDC. Other variant(s) that disrupt this residue have been observed in individuals with GLDC-related conditions (PMID: 27362913), which suggests that this may be a clinically significant amino acid residue. For these reasons, this variant has been classified as Pathogenic.

Counsyl
Classification: Uncertain significance for Glycine encephalopathy 1. Last evaluated: 2018-02-13. Review status: no assertion criteria provided. Collection method: clinical testing. Allele origin: unknown. Not counted in ClinVar's aggregate classification.

Literature cited by the submitters: PubMed 26179960 (cited by 3 submitters); PubMed 28244183 (cited by Labcorp Genetics (formerly Invitae), Labcorp); PubMed 27362913 (cited by Labcorp Genetics (formerly Invitae), Labcorp).

NM_000170.3(GLDC):c.800C>T (p.Pro267Leu)

Gene: GLDC (glycine decarboxylase; minus strand). Cytogenetic location: 9p24.1.
Variant type: single nucleotide variant.
Coding change: c.800C>T on transcript NM_000170.3 (MANE Select); coding-DNA position 800, C replaced by T.
Protein change: p.Pro267Leu; replaces proline 267 with leucine.
Molecular consequence: missense variant.
Genome position (GRCh38, 1-based): chr9:6,605,192, G>A on the plus strand (C>T on the coding strand, the complement: GLDC is on the minus strand). VCF-style: chr9-6605192-G-A. GRCh37 (hg19) VCF-style: chr9-6605192-G-A.
Other names: short protein forms P267L.
Identifiers: ClinVar variation 556679 (VCV000556679.15), dbSNP rs138484426, ClinGen allele CA4980982.